The following is an entry in ClinVar:

NM_001365536.1(SCN9A):c.4503+5A>G

Genes: SCN9A (sodium voltage-gated channel alpha subunit 9; minus strand), SCN1A-AS1 (SCN1A and SCN9A antisense RNA 1; plus strand). Cytogenetic location: 2q24.3.
Variant type: single nucleotide variant.
Coding change: c.4503+5A>G on transcript NM_001365536.1 (MANE Select); 5 bases into the intron after coding-DNA position 4503, A replaced by G.
Molecular consequence: intron variant.
Genome position (GRCh38, 1-based): chr2:166,204,355, T>C on the plus strand (A>G on the coding strand, the complement: SCN9A is on the minus strand). VCF-style: chr2-166204355-T-C. GRCh37 (hg19) VCF-style: chr2-167060865-T-C.
Other names: c.4470+5A>G (NM_002977.4).
Identifiers: ClinVar variation 471132 (VCV000471132.11), dbSNP rs757433463, ClinGen allele CA1943850.
Genomic context (GRCh38, chr2:166,204,355, plus strand): 5'-TGCATTAAAAATGAATTAGAAATAATTTGAAAATCTATATGCTAAAGATATATATATTTT[T>C]TTACCCCTGGTCGAGGAATTGGCTTTTGTGGCTTCTTGGACCCCAGCTTTTTCATTGCAT-3'

ClinVar aggregate classification (germline): Uncertain significance (1 of 4 stars; one submission).

Conditions:
Neuropathy, hereditary sensory and autonomic, type 2A (HSAN2A). Also called: ACROOSTEOLYSIS, NEUROGENIC; ACROOSTEOLYSIS, GIACCAI TYPE; MORVAN DISEASE; NEUROPATHY, CONGENITAL SENSORY; NEUROPATHY, HEREDITARY SENSORY RADICULAR, AUTOSOMAL RECESSIVE; NEUROPATHY, HEREDITARY SENSORY, TYPE IIA. Identifiers: Orphanet 970, MedGen C2752089, MONDO:0024309, OMIM 201300.
Generalized epilepsy with febrile seizures plus, type 7 (GEFSP7). Also called: GEFS+, TYPE 7. Identifiers: Orphanet 36387, MedGen C2751778, MONDO:0013470, OMIM 613863.

Allele frequency attached by ClinVar (database versions not stated): ExAC 0.00001; gnomAD 0.00001; gnomAD exomes 0.00001 and 0.00004; TOPMed 0.00002.
gnomAD v4.1: 14 of 1,599,538 alleles (0.00088%); highest among the groups gnomAD compares: Admixed American, 0.02%; no homozygotes.

Submission:

Labcorp Genetics (formerly Invitae), Labcorp
Classification: Uncertain significance for Neuropathy, hereditary sensory and autonomic, type 2A; Generalized epilepsy with febrile seizures plus, type 7. Last evaluated: 2025-12-21. Review status: criteria provided, single submitter. Criteria: Invitae Variant Classification Sherloc (09022015). Collection method: clinical testing. Allele origin: germline.
Comment: This sequence change falls in intron 25 of the SCN9A gene. It does not directly change the encoded amino acid sequence of the SCN9A protein. It affects a nucleotide within the consensus splice site. This variant is present in population databases (rs757433463, gnomAD 0.03%). This variant has not been reported in the literature in individuals affected with SCN9A-related conditions. ClinVar contains an entry for this variant (Variation ID: 471132). Variants that disrupt the consensus splice site are a relatively common cause of aberrant splicing (PMID: 17576681, 9536098). Algorithms developed to predict the effect of sequence changes on RNA splicing suggest that this variant is not likely to affect RNA splicing. In summary, the available evidence is currently insufficient to determine the role of this variant in disease. Therefore, it has been classified as a Variant of Uncertain Significance.

Literature cited by the submitters: PubMed 17576681; PubMed 9536098.